The following is an entry in ClinVar:

ClinVar aggregate classification (germline): Uncertain significance (1 of 4 stars; one submission).

Conditions:
Autosomal recessive limb-girdle muscular dystrophy type 2L (LGMDR12). Also called: MUSCULAR DYSTROPHY, LIMB-GIRDLE, AUTOSOMAL RECESSIVE 12; Limb-Girdle Muscular Dystrophy R12 Anoctamin-5-Related (LGMD-R12); Limb-girdle muscular dystrophy, type 2L. Identifiers: Orphanet 206549, MedGen C1969785, MONDO:0012652, OMIM 611307.
Gnathodiaphyseal dysplasia (GDD). Also called: GNATHODIAPHYSEAL SCLEROSIS; OSTEOGENESIS IMPERFECTA WITH UNUSUAL SKELETAL LESIONS. Identifiers: Orphanet 53697, MedGen C1833736, MONDO:0008151, OMIM 166260.

Submission:

Labcorp Genetics (formerly Invitae), Labcorp
Classification: Uncertain significance for Autosomal recessive limb-girdle muscular dystrophy type 2L; Gnathodiaphyseal dysplasia. Last evaluated: 2024-01-30. Review status: criteria provided, single submitter. Criteria: Invitae Variant Classification Sherloc (09022015). Collection method: clinical testing. Allele origin: germline.
Comment: This sequence change replaces asparagine, which is neutral and polar, with histidine, which is basic and polar, at codon 891 of the ANO5 protein (p.Asn891His). This variant is not present in population databases (gnomAD no frequency). This variant has not been reported in the literature in individuals affected with ANO5-related conditions. Advanced modeling of protein sequence and biophysical properties (such as structural, functional, and spatial information, amino acid conservation, physicochemical variation, residue mobility, and thermodynamic stability) has been performed at Invitae for this missense variant, however the output from this modeling did not meet the statistical confidence thresholds required to predict the impact of this variant on ANO5 protein function. In summary, the available evidence is currently insufficient to determine the role of this variant in disease. Therefore, it has been classified as a Variant of Uncertain Significance.

NM_213599.3(ANO5):c.2671A>C (p.Asn891His)

Gene: ANO5 (anoctamin 5; plus strand). Cytogenetic location: 11p14.3.
Variant type: single nucleotide variant.
Coding change: c.2671A>C on transcript NM_213599.3 (MANE Select); coding-DNA position 2671, A replaced by C.
Protein change: p.Asn891His; replaces asparagine 891 with histidine.
Molecular consequence: missense variant.
Genome position (GRCh38, 1-based): chr11:22,279,694, A>C. VCF-style: chr11-22279694-A-C. GRCh37 (hg19) VCF-style: chr11-22301240-A-C.
Other names: c.2668A>C, p.Asn890His (NM_001142649.2); c.2629A>C, p.Asn877His (NM_001410963.1); c.2626A>C, p.Asn876His (NM_001410964.1); short protein forms N876H, N877H, N890H, N891H.
Identifiers: ClinVar variation 3763118 (VCV003763118.2).